The following is an entry in ClinVar:

ClinVar aggregate classification (germline): Likely pathogenic (1 of 4 stars; one submission).

Conditions:
Cardiovascular phenotype. Identifiers: MedGen CN230736.

Submission:

Ambry Genetics
Classification: Likely pathogenic for Cardiovascular phenotype. Last evaluated: 2024-10-22. Review status: criteria provided, single submitter. Criteria: Ambry Variant Classification Scheme 2023. Collection method: clinical testing. Allele origin: germline.
Comment: The c.38199delA variant, located in coding exon 139 of the TTN gene, results from a deletion of one nucleotide at nucleotide position 38199, causing a translational frameshift with a predicted alternate stop codon (p.K12733Nfs*27). This exon is located in the A-band region of the N2-B isoform of the titin protein and is constitutively expressed in TTN transcripts (percent spliced in or PSI 100%). This variant is considered to be rare based on population cohorts in the Genome Aggregation Database (gnomAD). This alteration is expected to result in loss of function by premature protein truncation or nonsense-mediated mRNA decay. While truncating variants in TTN are present in 1-3% of the general population, truncating variants in the A-band are the most common cause of dilated cardiomyopathy (DCM) (Herman DS et al. N. Engl. J. Med., 2012 Feb;366:619-28; Roberts AM et al. Sci Transl Med, 2015 Jan;7:270ra6). TTN truncating variants encoded in constitutive exons (PSI >90%) have been found to be significantly associated with DCM regardless of their position in titin (Schafer S et al. Nat. Genet., 2017 01;49:46-53). Based on the majority of available evidence to date, this variant is likely to be pathogenic.

NM_001267550.2(TTN):c.65394del (p.Lys21798fs)

Genes: TTN (titin; minus strand), TTN-AS1 (TTN antisense RNA 1; plus strand). Cytogenetic location: 2q31.2.
Variant type: Deletion.
Coding change: c.65394del on transcript NM_001267550.2 (MANE Select); coding-DNA position 65394, one base deleted (A; older notation c.65394delA).
Protein change: p.Lys21798fs; shifts the reading frame from lysine 21798.
Molecular consequence: frameshift variant. On other transcripts: non-coding transcript variant (1).
Genome position (GRCh38, 1-based): chr2:178,583,788, T deleted on the plus strand (A on the coding strand, the reverse complement: TTN is on the minus strand); the first of 3 consecutive T bases (chr2:178,583,788-178,583,790); deleting any one gives the same sequence. VCF-style (leftmost placement, unchanged base first): chr2-178583787-GT-G. GRCh37 (hg19) VCF-style: chr2-179448514-GT-G.
Other names: c.60471del, p.Lys20157fs (NM_001256850.1); c.38199del, p.Lys12733fs (NM_003319.4); c.57690del, p.Lys19230fs (NM_133378.4); c.38574del, p.Lys12858fs (NM_133432.3); c.38775del, p.Lys12925fs (NM_133437.4); c.38199delA (NM_003319.4); short protein forms K21798fs, K12858fs, K12925fs, K19230fs, K12733fs, K20157fs.
Identifiers: ClinVar variation 3463802 (VCV003463802.1).